The following is an entry in ClinVar:

ClinVar aggregate classification (germline): Uncertain significance (1 of 4 stars; one submission).

Conditions:
Nephronophthisis. Also called: Juvenile Nephronophthisis. Identifiers: Orphanet 655, MedGen C0687120, MONDO:0019005, HP:0000090.
Meckel-Gruber syndrome. Also called: DYSENCEPHALIA SPLANCHNOCYSTICA; GRUBER SYNDROME; Dysencephalia splachnocystica. Identifiers: Orphanet 564, MedGen C0265215, MONDO:0018921.
Joubert syndrome. Also called: CEREBELLOPARENCHYMAL DISORDER IV; JOUBERT-BOLTSHAUSER SYNDROME; Familial aplasia of the vermis. Identifiers: Orphanet 475, MedGen C5979921, MONDO:0018772.

Submission:

Labcorp Genetics (formerly Invitae), Labcorp
Classification: Uncertain significance for Joubert syndrome; Meckel-Gruber syndrome; Nephronophthisis. Last evaluated: 2020-11-13. Review status: criteria provided, single submitter. Criteria: Invitae Variant Classification Sherloc (09022015). Collection method: clinical testing. Allele origin: germline.
Comment: In summary, the available evidence is currently insufficient to determine the role of this variant in disease. Therefore, it has been classified as a Variant of Uncertain Significance. This sequence change replaces aspartic acid with histidine at codon 849 of the CEP290 protein (p.Asp849His). The aspartic acid residue is moderately conserved and there is a moderate physicochemical difference between aspartic acid and histidine. This variant is not present in population databases (ExAC no frequency). This variant has not been reported in the literature in individuals with CEP290-related conditions. Algorithms developed to predict the effect of missense changes on protein structure and function are either unavailable or do not agree on the potential impact of this missense change (SIFT: "Deleterious"; PolyPhen-2: "Possibly Damaging"; Align-GVGD: "Class C0").

NM_025114.4(CEP290):c.2545G>C (p.Asp849His)

Gene: CEP290 (centrosomal protein 290; minus strand). Cytogenetic location: 12q21.32.
Variant type: single nucleotide variant.
Coding change: c.2545G>C on transcript NM_025114.4 (MANE Select); coding-DNA position 2545, G replaced by C.
Protein change: p.Asp849His; replaces aspartic acid 849 with histidine.
Molecular consequence: missense variant.
Genome position (GRCh38, 1-based): chr12:88,107,037, C>G on the plus strand (G>C on the coding strand, the complement: CEP290 is on the minus strand). VCF-style: chr12-88107037-C-G. GRCh37 (hg19) VCF-style: chr12-88500814-C-G.
Other names: short protein forms D849H.
Identifiers: ClinVar variation 1479003 (VCV001479003.8), dbSNP rs1565877637, ClinGen allele CA385971843.
Genomic context (GRCh38, chr12:88,107,037, plus strand): 5'-TTAAAAATGTTTTACTTACATTATATTCTTTTACTTTTATAGCATCTTGTTGGACTTGAT[C>G]CTCAAGTTTTCTCTTTTCCTCTTTTATTGTTTTAGATTCTGTTTTCCAGGTCTCCTTTTC-3'
Protein context (NP_079390.3, residues 839-859): TIKEEKRKLE[Asp849His]QVQQDAIKVK